The following is an entry in ClinVar:

NM_001387430.1(SH2B1):c.712G>T (p.Gly238Cys)

Gene: SH2B1 (SH2B adaptor protein 1; plus strand). Cytogenetic location: 16p11.2.
Variant type: single nucleotide variant.
Coding change: c.712G>T on transcript NM_001387430.1 (MANE Select); coding-DNA position 712, G replaced by T.
Protein change: p.Gly238Cys; replaces glycine 238 with cysteine.
Molecular consequence: missense variant. On other transcripts: intron variant (1).
Genome position (GRCh38, 1-based): chr16:28,866,806, G>T. VCF-style: chr16-28866806-G-T. GRCh37 (hg19) VCF-style: chr16-28878127-G-T.
Other names: c.712G>T, p.Gly238Cys (NM_001145795.2, NM_001145796.2, NM_001145797.2 and 4 more transcripts); c.-26-568G>T (NM_001308294.2); short protein forms G238C.
Identifiers: ClinVar variation 2576794 (VCV002576794.1), dbSNP rs1265065081, ClinGen allele CA395424127.
Genomic context (GRCh38, chr16:28,866,806, plus strand): 5'-ACGTCCCCTGGGGAAAGATGGACTCACCGTTTTGAGAGGCTGAGACTCAGTCGGGGAGGG[G>T]GCGCCTTGAAGGATGGAGCAGGGATGGTGCAGAGGGAAGAGCTGCTGAGTTTCATGGGGG-3'
Protein context (NP_001374359.1, residues 228-248): FERLRLSRGG[Gly238Cys]ALKDGAGMVQ

ClinVar aggregate classification (germline): Uncertain significance (1 of 4 stars; one submission).

Allele frequency attached by ClinVar (database versions not stated): gnomAD 0.00001; gnomAD exomes 0.00001.
gnomAD v4.1: 16 of 1,583,274 alleles (0.001%); highest among the groups gnomAD compares: Non-Finnish European, 0.0013%; no homozygotes.

Submission:

GeneDx
Classification: Uncertain significance. Last evaluated: 2023-02-18. Review status: criteria provided, single submitter. Criteria: GeneDx Variant Classification Process June 2021. Collection method: clinical testing. Allele origin: germline. Affected: yes.
Comment: Not observed at significant frequency in large population cohorts (gnomAD); In silico analysis supports that this missense variant does not alter protein structure/function; This variant is associated with the following publications: (PMID: 31439647)